The following is an entry in ClinVar:

ClinVar aggregate classification (germline): Uncertain significance (1 of 4 stars; one submission).

Conditions:
Inborn genetic diseases. Identifiers: MedGen C0950123, MeSH D030342.

Submission:

Ambry Genetics
Classification: Uncertain significance for Inborn genetic diseases. Last evaluated: 2022-02-15. Review status: criteria provided, single submitter. Criteria: Ambry Variant Classification Scheme 2023. Collection method: clinical testing. Allele origin: germline.
Comment: The c.759-3C>T intronic alteration consists of a C to T substitution 3 nucleotides before exon 5 of the PDE4D gene. Based on insufficient or conflicting evidence, the clinical significance of this alteration remains unclear.

NM_001104631.2(PDE4D):c.759-3C>T

Genes: PDE4D (phosphodiesterase 4D; minus strand), LOC129993939 (ATAC-STARR-seq lymphoblastoid silent region 16037; plus strand). Cytogenetic location: 5q11.2.
Variant type: single nucleotide variant.
Coding change: c.759-3C>T on transcript NM_001104631.2 (MANE Select); 3 bases into the intron before coding-DNA position 759, C replaced by T.
Molecular consequence: intron variant.
Genome position (GRCh38, 1-based): chr5:59,180,647, G>A on the plus strand (C>T on the coding strand, the complement: PDE4D is on the minus strand). VCF-style: chr5-59180647-G-A. GRCh37 (hg19) VCF-style: chr5-58476473-G-A.
Other names: c.576-3C>T (NM_001364599.1, NM_001165899.2, NM_001364600.2); c.-10-3C>T (NM_001349243.2, NM_001364604.1); c.546-3C>T (NM_001349241.2); c.567-3C>T (NM_001197218.2, NM_001364602.2); c.-192-3C>T (NM_001364603.1); c.351-3C>T (NM_006203.5); c.429-3C>T (NM_001349242.2); c.393-3C>T (NM_001197219.2); and 1 more.
Identifiers: ClinVar variation 2270871 (VCV002270871.2), dbSNP rs2530750742, ClinGen allele CA2580073335.